The following is an entry in ClinVar:

ClinVar aggregate classification (germline): Uncertain significance. Review status: criteria provided, multiple submitters, no conflicts (2 of 4 stars). 2 submissions from 2 submitters: Uncertain significance (2). Last evaluated 2024-09-23.

Conditions:
Familial isolated arrhythmogenic right ventricular dysplasia. Identifiers: Orphanet 217656, MedGen C4274968, MONDO:0016342.
Cardiomyopathy (CMYO). Also called: Cardiomyopathies. Identifiers: Orphanet 167848, MedGen C0878544, MONDO:0004994, HP:0001638. Inheritance: Various modes of inheritance.

Allele frequency attached by ClinVar (database versions not stated): gnomAD exomes below 0.00001 and 0.00001; ExAC 0.00001; TOPMed 0.00001.
gnomAD v4.1: 3 of 1,614,030 alleles (0.00019%); highest among the groups gnomAD compares: East Asian, 0.0067%; no homozygotes.

Submissions (2):

All of Us Research Program, National Institutes of Health
Classification: Uncertain significance for Familial isolated arrhythmogenic right ventricular dysplasia. Last evaluated: 2024-09-23. Review status: criteria provided, single submitter. Criteria: ACMG Guidelines, 2015. Collection method: clinical testing. Allele origin: germline. Inheritance: Autosomal dominant inheritance. Observed: 1 variant allele, 1 heterozygote.
Comment: Variant of Uncertain Significance due to insufficient evidence: This missense variant replaces aspartic acid with histidine at codon 807 of the DSC2 protein. Computational prediction tools and conservation analyses are inconclusive regarding the impact of this variant on the protein function. Computational splicing tools suggest that this variant may not impact RNA splicing. To our knowledge, functional assays have not been performed for this variant nor has this variant been reported in individuals affected with cardiovascular disorders in the literature. This variant has been identified in 2/251220 chromosomes in the general population by the Genome Aggregation Database (gnomAD). Available evidence is insufficient to determine the role of this variant in disease conclusively.

This study involves interpretation of variants in research participants for the purpose of population health screening. Participant phenotype was not available at the time of variant classification. Additional details can be found in publication PMID: 35346344, PMCID: PMC8962531

Color Diagnostics, LLC DBA Color Health
Classification: Uncertain significance for Cardiomyopathy. Last evaluated: 2023-12-05. Review status: criteria provided, single submitter. Criteria: ACMG Guidelines, 2015. Collection method: clinical testing. Allele origin: germline.
Comment: Variant of Uncertain Significance due to insufficient evidence: This missense variant replaces aspartic acid with histidine at codon 807 of the DSC2 protein. Computational prediction tools and conservation analyses are inconclusive regarding the impact of this variant on the protein function. Computational splicing tools suggest that this variant may not impact RNA splicing. To our knowledge, functional assays have not been performed for this variant nor has this variant been reported in individuals affected with cardiovascular disorders in the literature. This variant has been identified in 2/251220 chromosomes in the general population by the Genome Aggregation Database (gnomAD). Available evidence is insufficient to determine the role of this variant in disease conclusively.

NM_024422.6(DSC2):c.2419G>C (p.Asp807His)

Gene: DSC2 (desmocollin 2; minus strand). Cytogenetic location: 18q12.1.
Variant type: single nucleotide variant.
Coding change: c.2419G>C on transcript NM_024422.6 (MANE Select); coding-DNA position 2419, G replaced by C.
Protein change: p.Asp807His; replaces aspartic acid 807 with histidine.
Molecular consequence: missense variant.
Genome position (GRCh38, 1-based): chr18:31,068,983, C>G on the plus strand (G>C on the coding strand, the complement: DSC2 is on the minus strand). VCF-style: chr18-31068983-C-G. GRCh37 (hg19) VCF-style: chr18-28648949-C-G.
Other names: c.2419G>C, p.Asp807His (NM_004949.5); short protein forms D807H.
Identifiers: ClinVar variation 925204 (VCV000925204.6), dbSNP rs748323101, ClinGen allele CA036683.